The following is an entry in ClinVar:

ClinVar aggregate classification (germline): Uncertain significance (1 of 4 stars; one submission).

Conditions:
Ataxia-telangiectasia syndrome (AT). Also called: Ataxia-telangiectasia, complementation group D; AT, COMPLEMENTATION GROUP C; ATAXIA-TELANGIECTASIA, COMPLEMENTATION GROUP A; ATAXIA-TELANGIECTASIA, FRESNO VARIANT; Ataxia-telangiectasia; Ataxia telangiectasia (A-T). Identifiers: Orphanet 100, MedGen C0004135, MONDO:0008840, OMIM 208900.

Submission:

Labcorp Genetics (formerly Invitae), Labcorp
Classification: Uncertain significance for Ataxia-telangiectasia syndrome. Last evaluated: 2025-05-07. Review status: criteria provided, single submitter. Criteria: Invitae Variant Classification Sherloc (09022015). Collection method: clinical testing. Allele origin: germline.
Comment: This sequence change replaces isoleucine, which is neutral and non-polar, with asparagine, which is neutral and polar, at codon 2432 of the ATM protein (p.Ile2432Asn). This variant is not present in population databases (gnomAD no frequency). This variant has not been reported in the literature in individuals affected with ATM-related conditions. ClinVar contains an entry for this variant (Variation ID: 945516). Invitae Evidence Modeling of protein sequence and biophysical properties (such as structural, functional, and spatial information, amino acid conservation, physicochemical variation, residue mobility, and thermodynamic stability) indicates that this missense variant is not expected to disrupt ATM protein function with a negative predictive value of 95%. In summary, the available evidence is currently insufficient to determine the role of this variant in disease. Therefore, it has been classified as a Variant of Uncertain Significance.

NM_000051.4(ATM):c.7295T>A (p.Ile2432Asn)

Genes: ATM (ATM serine/threonine kinase; plus strand), C11orf65 (chromosome 11 open reading frame 65; minus strand). Cytogenetic location: 11q22.3.
Variant type: single nucleotide variant.
Coding change: c.7295T>A on transcript NM_000051.4 (MANE Select); coding-DNA position 7295, T replaced by A.
Protein change: p.Ile2432Asn; replaces isoleucine 2432 with asparagine.
Molecular consequence: missense variant. On other transcripts: intron variant (2).
Genome position (GRCh38, 1-based): chr11:108,329,226, T>A. VCF-style: chr11-108329226-T-A. GRCh37 (hg19) VCF-style: chr11-108199953-T-A.
Other names: c.7295T>A, p.Ile2432Asn (NM_001351834.2); c.641-20155A>T (NM_001330368.2); c.*38+5994A>T (NM_001351110.2); short protein forms I2432N.
Identifiers: ClinVar variation 945516 (VCV000945516.10), dbSNP rs2086001580, ClinGen allele CA382559819.